The following is an entry in ClinVar:

NM_032387.5(WNK4):c.3550A>G (p.Ser1184Gly)

Gene: WNK4 (WNK lysine deficient protein kinase 4; plus strand). Cytogenetic location: 17q21.2.
Variant type: single nucleotide variant.
Coding change: c.3550A>G on transcript NM_032387.5 (MANE Select); coding-DNA position 3550, A replaced by G.
Protein change: p.Ser1184Gly; replaces serine 1184 with glycine.
Molecular consequence: missense variant.
Genome position (GRCh38, 1-based): chr17:42,796,241, A>G. VCF-style: chr17-42796241-A-G. GRCh37 (hg19) VCF-style: chr17-40948259-A-G.
Other names: c.2542A>G, p.Ser848Gly (NM_001321299.2); short protein forms S1184G, S848G.
Identifiers: ClinVar variation 1919812 (VCV001919812.5), dbSNP rs932489423, ClinGen allele CA290791795.

ClinVar aggregate classification (germline): Uncertain significance (1 of 4 stars; one submission).

Allele frequency attached by ClinVar (database versions not stated): gnomAD 0.00001; gnomAD exomes 0.00001; TOPMed 0.00001.
gnomAD v4.1: 6 of 1,611,940 alleles (0.00037%); highest among the groups gnomAD compares: Admixed American, 0.0084%; no homozygotes.

Submission:

Labcorp Genetics (formerly Invitae), Labcorp
Classification: Uncertain significance. Last evaluated: 2024-04-17. Review status: criteria provided, single submitter. Criteria: Invitae Variant Classification Sherloc (09022015). Collection method: clinical testing. Allele origin: germline.
Comment: This sequence change replaces serine, which is neutral and polar, with glycine, which is neutral and non-polar, at codon 1184 of the WNK4 protein (p.Ser1184Gly). This variant is not present in population databases (gnomAD no frequency). This variant has not been reported in the literature in individuals affected with WNK4-related conditions. ClinVar contains an entry for this variant (Variation ID: 1919812). Advanced modeling of protein sequence and biophysical properties (such as structural, functional, and spatial information, amino acid conservation, physicochemical variation, residue mobility, and thermodynamic stability) performed at Invitae indicates that this missense variant is not expected to disrupt WNK4 protein function with a negative predictive value of 95%. In summary, the available evidence is currently insufficient to determine the role of this variant in disease. Therefore, it has been classified as a Variant of Uncertain Significance.